The following is an entry in ClinVar:

ClinVar aggregate classification (germline): Uncertain significance. Review status: criteria provided, multiple submitters, no conflicts (2 of 4 stars). 4 submissions from 4 submitters: Uncertain significance (4). Last evaluated 2025-12-19.

Allele frequency attached by ClinVar (database versions not stated): gnomAD 0.00003 and 0.00004; gnomAD exomes 0.00003 and 0.00004; TOPMed 0.00003; ExAC 0.00005; ESP Exome Variant Server 0.00008.
gnomAD v4.1: 48 of 1,612,612 alleles (0.003%); highest among the groups gnomAD compares: Middle Eastern, 0.033%; no homozygotes.

Submissions (4):

Labcorp Genetics (formerly Invitae), Labcorp
Classification: Uncertain significance. Last evaluated: 2025-12-19. Review status: criteria provided, single submitter. Criteria: Invitae Variant Classification Sherloc (09022015). Collection method: clinical testing. Allele origin: germline.
Comment: This sequence change replaces asparagine, which is neutral and polar, with aspartic acid, which is acidic and polar, at codon 1327 of the IGF1R protein (p.Asn1327Asp). This variant is present in population databases (rs374710491, gnomAD 0.009%). This variant has not been reported in the literature in individuals affected with IGF1R-related conditions. ClinVar contains an entry for this variant (Variation ID: 1343857). An algorithm developed to predict the effect of missense changes on protein structure and function (PolyPhen-2) suggests that this variant is likely to be tolerated. In summary, the available evidence is currently insufficient to determine the role of this variant in disease. Therefore, it has been classified as a Variant of Uncertain Significance.

Blueprint Genetics
Classification: Uncertain significance. Last evaluated: 2024-07-23. Review status: criteria provided, single submitter. Criteria: ACMG Guidelines, 2015. Collection method: clinical testing. Allele origin: germline.

CeGaT Center for Human Genetics Tuebingen
Classification: Uncertain significance. Last evaluated: 2024-02-01. Review status: criteria provided, single submitter. Criteria: CeGaT Center For Human Genetics Tuebingen Variant Classification Criteria Version 2. Collection method: clinical testing. Allele origin: germline. Affected: yes. Observed: 1 variant allele.
Comment: IGF1R: PM2

GeneDx
Classification: Uncertain significance. Last evaluated: 2022-03-09. Review status: criteria provided, single submitter. Criteria: GeneDx Variant Classification Process June 2021. Collection method: clinical testing. Allele origin: germline. Affected: yes.
Comment: Has not been previously published as pathogenic or benign to our knowledge; In silico analysis supports that this missense variant does not alter protein structure/function

NM_000875.5(IGF1R):c.3979A>G (p.Asn1327Asp)

Gene: IGF1R (insulin like growth factor 1 receptor; plus strand). Cytogenetic location: 15q26.3.
Variant type: single nucleotide variant.
Coding change: c.3979A>G on transcript NM_000875.5 (MANE Select); coding-DNA position 3979, A replaced by G.
Protein change: p.Asn1327Asp; replaces asparagine 1327 with aspartic acid.
Molecular consequence: missense variant.
Genome position (GRCh38, 1-based): chr15:98,957,317, A>G. VCF-style: chr15-98957317-A-G. GRCh37 (hg19) VCF-style: chr15-99500546-A-G.
Other names: c.3976A>G, p.Asn1326Asp (NM_001291858.2); short protein forms N1326D, N1327D.
Identifiers: ClinVar variation 1343857 (VCV001343857.28), dbSNP rs374710491, ClinGen allele CA7752852.